The following is an entry in ClinVar:

ClinVar aggregate classification (germline): Uncertain significance (1 of 4 stars; one submission).

Conditions:
Chédiak-Higashi syndrome (CHS). Also called: Chediak-Higashi Syndrome. Identifiers: Orphanet 167, MedGen C0007965, MONDO:0008963, OMIM 214500.

Allele frequency attached by ClinVar (database versions not stated): TOPMed below 0.00001; gnomAD 0.00001.
gnomAD v4.1: 1 of 1,613,606 alleles (0.000062%); highest among the groups gnomAD compares: African/African-American, 0.0013%; no homozygotes.

Submission:

Labcorp Genetics (formerly Invitae), Labcorp
Classification: Uncertain significance for Chédiak-Higashi syndrome. Last evaluated: 2022-04-12. Review status: criteria provided, single submitter. Criteria: Invitae Variant Classification Sherloc (09022015). Collection method: clinical testing. Allele origin: germline.
Comment: This variant has not been reported in the literature in individuals affected with LYST-related conditions. This variant is not present in population databases (gnomAD no frequency). This sequence change replaces lysine, which is basic and polar, with glutamic acid, which is acidic and polar, at codon 1591 of the LYST protein (p.Lys1591Glu). Algorithms developed to predict the effect of missense changes on protein structure and function (SIFT, PolyPhen-2, Align-GVGD) all suggest that this variant is likely to be tolerated. In summary, the available evidence is currently insufficient to determine the role of this variant in disease. Therefore, it has been classified as a Variant of Uncertain Significance.

NM_000081.4(LYST):c.4771A>G (p.Lys1591Glu)

Gene: LYST (lysosomal trafficking regulator; minus strand). Cytogenetic location: 1q42.3.
Variant type: single nucleotide variant.
Coding change: c.4771A>G on transcript NM_000081.4 (MANE Select); coding-DNA position 4771, A replaced by G.
Protein change: p.Lys1591Glu; replaces lysine 1591 with glutamic acid.
Molecular consequence: missense variant.
Genome position (GRCh38, 1-based): chr1:235,787,291, T>C on the plus strand (A>G on the coding strand, the complement: LYST is on the minus strand). VCF-style: chr1-235787291-T-C. GRCh37 (hg19) VCF-style: chr1-235950591-T-C.
Other names: c.4771A>G, p.Lys1591Glu (NM_001301365.1); short protein forms K1591E.
Identifiers: ClinVar variation 1973057 (VCV001973057.5), dbSNP rs973390895, ClinGen allele CA39626136.